The following is an entry in ClinVar:

NM_003200.5(TCF3):c.334G>C (p.Gly112Arg)

Gene: TCF3 (transcription factor 3; minus strand). Cytogenetic location: 19p13.3.
Variant type: single nucleotide variant.
Coding change: c.334G>C on transcript NM_003200.5 (MANE Select); coding-DNA position 334, G replaced by C.
Protein change: p.Gly112Arg; replaces glycine 112 with arginine.
Molecular consequence: missense variant.
Genome position (GRCh38, 1-based): chr19:1,627,391, C>G on the plus strand (G>C on the coding strand, the complement: TCF3 is on the minus strand). VCF-style: chr19-1627391-C-G. GRCh37 (hg19) VCF-style: chr19-1627390-C-G.
Other names: c.334G>C, p.Gly112Arg (NM_001136139.4, NM_001351778.2, NM_001351779.2); short protein forms G112R.
Identifiers: ClinVar variation 3724022 (VCV003724022.2).

ClinVar aggregate classification (germline): Uncertain significance (1 of 4 stars; one submission).

Submission:

Labcorp Genetics (formerly Invitae), Labcorp
Classification: Uncertain significance. Last evaluated: 2024-10-30. Review status: criteria provided, single submitter. Criteria: Invitae Variant Classification Sherloc (09022015). Collection method: clinical testing. Allele origin: germline.
Comment: This sequence change replaces glycine, which is neutral and non-polar, with arginine, which is basic and polar, at codon 112 of the TCF3 protein (p.Gly112Arg). This variant is not present in population databases (gnomAD no frequency). This variant has not been reported in the literature in individuals affected with TCF3-related conditions. Invitae Evidence Modeling of protein sequence and biophysical properties (such as structural, functional, and spatial information, amino acid conservation, physicochemical variation, residue mobility, and thermodynamic stability) indicates that this missense variant is expected to disrupt TCF3 protein function with a positive predictive value of 80%. In summary, the available evidence is currently insufficient to determine the role of this variant in disease. Therefore, it has been classified as a Variant of Uncertain Significance.